The following is an entry in ClinVar:

NM_020806.5(GPHN):c.1144+9A>G

Gene: GPHN (gephyrin; plus strand). Cytogenetic location: 14q23.3.
Variant type: single nucleotide variant.
Coding change: c.1144+9A>G on transcript NM_020806.5 (MANE Select); 9 bases into the intron after coding-DNA position 1144, A replaced by G.
Molecular consequence: intron variant.
Genome position (GRCh38, 1-based): chr14:67,058,795, A>G. VCF-style: chr14-67058795-A-G. GRCh37 (hg19) VCF-style: chr14-67525512-A-G.
Other names: c.1204+9A>G (NM_001377514.1); c.1084+9A>G (NM_001377519.1); c.1174+9A>G (NM_001377515.1); c.1165+9A>G (NM_001377516.1); c.1102+9A>G (NM_001377518.1); c.1117+9A>G (NM_001377517.1); c.1045+9A>G (NM_001024218.2).
Identifiers: ClinVar variation 779587 (VCV000779587.10), dbSNP rs200060659, ClinGen allele CA7233950.

ClinVar aggregate classification (germline): Likely benign. Review status: criteria provided, multiple submitters, no conflicts (2 of 4 stars). 4 submissions from 4 submitters: Likely benign (4). Last evaluated 2026-01-26.

Conditions:
Dementia. Identifiers: MedGen C0497327, MONDO:0001627, HP:0000726.
GPHN-related disorder. Also called: GPHN-related condition.
Sulfite oxidase deficiency due to molybdenum cofactor deficiency type C. Also called: Molybdenum cofactor deficiency C; Molybdenum cofactor deficiency, complementation group C. Identifiers: Orphanet 308400, Orphanet 833, MedGen C1854990, MONDO:0014212, OMIM 615501.

Allele frequency attached by ClinVar (database versions not stated): gnomAD 0.00019 and 0.00021; 1000 Genomes Project 30x 0.00031; 1000 Genomes Project 0.00040; TOPMed 0.00041.
gnomAD v4.1: 190 of 1,611,342 alleles (0.012%); highest among the groups gnomAD compares: Admixed American, 0.053%; no homozygotes.

Submissions (4):

Labcorp Genetics (formerly Invitae), Labcorp
Classification: Likely benign for Sulfite oxidase deficiency due to molybdenum cofactor deficiency type C. Last evaluated: 2026-01-26. Review status: criteria provided, single submitter. Criteria: Invitae Variant Classification Sherloc (09022015). Collection method: clinical testing. Allele origin: germline.

PreventionGenetics, part of Exact Sciences
Classification: Likely benign for GPHN-related condition. Last evaluated: 2026-01-12. Review status: criteria provided, single submitter. Criteria: ACMG Guidelines, 2015. Collection method: clinical testing. Allele origin: germline.
Comment: This variant is classified as likely benign based on ACMG/AMP sequence variant interpretation guidelines (Richards et al. 2015 PMID: 25741868, with internal and published modifications).

Blueprint Genetics
Classification: Likely benign. Last evaluated: 2023-09-26. Review status: criteria provided, single submitter. Criteria: ACMG Guidelines, 2015. Collection method: clinical testing. Allele origin: germline.

Cambridge Genomics Laboratory, East Genomic Laboratory Hub, NHS Genomic Medicine Service
Classification: Likely benign for Dementia. Last evaluated: 2020-02-17. Review status: criteria provided, single submitter. Criteria: ACGS Best Practice Guidelines for Variant Classification in Rare Disease 2020. Collection method: clinical testing. Allele origin: germline. Affected: yes. Observed: 1 variant allele.